The following is an entry in ClinVar:

NM_000090.4(COL3A1):c.709G>A (p.Gly237Arg)

Gene: COL3A1 (collagen type III alpha 1 chain; plus strand). Cytogenetic location: 2q32.2.
Variant type: single nucleotide variant.
Coding change: c.709G>A on transcript NM_000090.4 (MANE Select); coding-DNA position 709, G replaced by A.
Protein change: p.Gly237Arg; replaces glycine 237 with arginine.
Molecular consequence: missense variant.
Genome position (GRCh38, 1-based): chr2:188,990,114, G>A. VCF-style: chr2-188990114-G-A. GRCh37 (hg19) VCF-style: chr2-189854840-G-A.
Other names: p.G237R:GGA>AGA.
Identifiers: ClinVar variation 101349 (VCV000101349.16), dbSNP rs587779625, ClinGen allele CA007314.

ClinVar aggregate classification (germline): Pathogenic. Review status: criteria provided, multiple submitters, no conflicts (2 of 4 stars). 5 submissions from 5 submitters: Pathogenic (3). 2 of the submissions do not count toward it. Last evaluated 2025-06-03.

Conditions:
Ehlers-Danlos syndrome, type 4 (EDSVASC). Also called: Ehlers-Danlos syndrome vascular type; Ehlers Danlos syndrome, ecchymotic type; Ehlers Danlos syndrome, arterial type; Ehlers Danlos syndrome, Sack-Barabas type; Ehlers-Danlos Syndrome Type IV. Identifiers: Orphanet 286, MedGen C0268338, MONDO:0017314, OMIM 130050.
Familial thoracic aortic aneurysm and aortic dissection (TAAD). Also called: Thoracic aortic aneurysms and dissections. Identifiers: Orphanet 91387, MedGen C4707243, MONDO:0019625.

Allele frequency attached by ClinVar (database versions not stated): gnomAD exomes 0.00001.
gnomAD v4.1: 4 of 1,613,584 alleles (0.00025%); highest among the groups gnomAD compares: Non-Finnish European, 0.00025%; no homozygotes.

Submissions (5):

Labcorp Genetics (formerly Invitae), Labcorp
Classification: Pathogenic for Ehlers-Danlos syndrome, type 4. Last evaluated: 2025-06-03. Review status: criteria provided, single submitter. Criteria: Invitae Variant Classification Sherloc (09022015). Collection method: clinical testing. Allele origin: germline.
Comment: This sequence change replaces glycine, which is neutral and non-polar, with arginine, which is basic and polar, at codon 237 of the COL3A1 protein (p.Gly237Arg). This variant is not present in population databases (gnomAD no frequency). This missense change has been observed in individual(s) with vascular Ehlers–Danlos syndrome (PMID: 22019127, 24922459). ClinVar contains an entry for this variant (Variation ID: 101349). Invitae Evidence Modeling of protein sequence and biophysical properties (such as structural, functional, and spatial information, amino acid conservation, physicochemical variation, residue mobility, and thermodynamic stability) indicates that this missense variant is expected to disrupt COL3A1 protein function with a positive predictive value of 95%. This variant disrupts the triple helix domain of COL3A1. Glycine residues within the Gly-Xaa-Yaa repeats of the triple helix domain are required for the structure and stability of fibrillar collagens (PMID: 7695699, 8218237, 19344236). In COL3A1, variants that affect these glycine residues are significantly enriched in individuals with disease (PMID: 24922459, 25758994) compared to the general population (ExAC). For these reasons, this variant has been classified as Pathogenic.

GeneDx
Classification: Pathogenic. Last evaluated: 2025-02-28. Review status: criteria provided, single submitter. Criteria: GeneDx Variant Classification Process June 2021. Collection method: clinical testing. Allele origin: germline. Affected: yes.
Comment: Not observed at significant frequency in large population cohorts (gnomAD); In silico analysis supports that this missense variant has a deleterious effect on protein structure/function; Occurs in the triple helical domain and replaces the glycine in the canonical Gly-X-Y repeat; missense substitution of a canonical glycine residue is expected to disrupt normal protein folding and function, and this is an established mechanism of disease (HGMD); This variant is associated with the following publications: (PMID: 29346445, 22019127, 24922459, 35234813, 25834947, 10706896)

Ambry Genetics
Classification: Pathogenic for Familial thoracic aortic aneurysm and aortic dissection. Last evaluated: 2022-10-14. Review status: criteria provided, single submitter. Criteria: Ambry Variant Classification Scheme 2023. Collection method: clinical testing. Allele origin: germline.
Comment: The p.G237R pathogenic mutation (also known as c.709G>A), located in coding exon 9 of the COL3A1 gene, results from a G to A substitution at nucleotide position 709. The glycine at codon 237 is replaced by arginine, an amino acid with dissimilar properties. The majority (approximately two-thirds) of COL3A1 mutations identified to date have involved the substitution of another amino acid for glycine within the triple-helical domain (Pepin MG et al. Genet Med. 2014;16(12):881-8; Frank M et al. Eur J Hum Genet. 2015;23(12):1657-64). This variant has been detected in an individual meeting diagnostic criteria for vascular Ehlers-Danlos syndrome and in several individuals from additional vascular Ehlers-Danlos syndrome cohorts (Kaadan MI et al. Circ Genom Precis Med. 2018 04;11(4):e001933; Pepin MG et al. Genet Med. 2014 Dec;16(12):881-8; Drera B et al. J Dermatol Sci. 2011 Dec;64(3):237-40). Internal structural analysis indicates that this alteration disrupts the characteristic G-X-Y motif in the COL3A1 protein and inserts a bulky side chain into a sterically-constrained region (Bella J et al. Science. 1994;266:75-81; Hohenester E et al. Proc. Natl. Acad. Sci. U.S.A. 2008;105:18273-7; Ambry internal data). This variant is considered to be rare based on population cohorts in the Genome Aggregation Database (gnomAD). In addition, this alteration is predicted to be deleterious by in silico analysis. Based on the supporting evidence, this alteration is interpreted as a disease-causing mutation.

Collagen Diagnostic Laboratory, University of Washington
Classification: Pathogenic for Ehlers-Danlos syndrome, type 4. Review status: no assertion criteria provided. Collection method: clinical testing. Allele origin: germline. Affected: yes. Not counted in ClinVar's aggregate classification.

Center for Human Genetics, Inc
Classification: Uncertain significance for Ehlers-Danlos syndrome, type 4. Last evaluated: 2016-11-01. Review status: flagged submission. Criteria: ACMG Guidelines, 2015. Collection method: clinical testing. Allele origin: germline. Affected: yes. Not counted in ClinVar's aggregate classification.
ClinVar note: Reason: Outlier claim with insufficient supporting evidence

Literature cited by the submitters: PubMed 22019127 (cited by Labcorp Genetics (formerly Invitae), Labcorp and Ambry Genetics); PubMed 24922459 (cited by Labcorp Genetics (formerly Invitae), Labcorp and Ambry Genetics); PubMed 7695699 (cited by Labcorp Genetics (formerly Invitae), Labcorp); PubMed 8218237 (cited by Labcorp Genetics (formerly Invitae), Labcorp); PubMed 19344236 (cited by Labcorp Genetics (formerly Invitae), Labcorp); PubMed 25758994 (cited by Labcorp Genetics (formerly Invitae), Labcorp); PubMed 25834947 (cited by Ambry Genetics); PubMed 29309923 (cited by Ambry Genetics); PubMed 29346445 (cited by Ambry Genetics); PubMed 29650765 (cited by Ambry Genetics); PubMed 31075413 (cited by Ambry Genetics); PubMed 31600821 (cited by Ambry Genetics).